The following is an entry in ClinVar:

NM_006766.5(KAT6A):c.2567T>C (p.Leu856Pro)

Gene: KAT6A (lysine acetyltransferase 6A; minus strand). Cytogenetic location: 8p11.21.
Variant type: single nucleotide variant.
Coding change: c.2567T>C on transcript NM_006766.5 (MANE Select); coding-DNA position 2567, T replaced by C.
Protein change: p.Leu856Pro; replaces leucine 856 with proline.
Molecular consequence: missense variant.
Genome position (GRCh38, 1-based): chr8:41,941,314, A>G on the plus strand (T>C on the coding strand, the complement: KAT6A is on the minus strand). VCF-style: chr8-41941314-A-G. GRCh37 (hg19) VCF-style: chr8-41798832-A-G.
Other names: short protein forms L856P.
Identifiers: ClinVar variation 3343522 (VCV003343522.1).
Genomic context (GRCh38, chr8:41,941,314, plus strand): 5'-TGGGTTTTTCTGTTCTTCCTCCCCCAGCGGCCCCTCCGAGATGGCTGGCTATTTGCAGGA[A>G]GACTATCATGAGGAAGGACTTGTTTGCTCAAACGTGTAGAACTGACTGGAGCCATAACTT-3'
Protein context (NP_006757.2, residues 846-866): LSKQVLPHDS[Leu856Pro]PANSQPSRRG

ClinVar aggregate classification (germline): Uncertain significance (1 of 4 stars; one submission).

Submission:

GeneDx
Classification: Uncertain significance. Last evaluated: 2023-05-16. Review status: criteria provided, single submitter. Criteria: GeneDx Variant Classification Process June 2021. Collection method: clinical testing. Allele origin: germline. Affected: yes.
Comment: Not observed at significant frequency in large population cohorts (gnomAD); In silico analysis supports that this missense variant does not alter protein structure/function; Has not been previously published as pathogenic or benign to our knowledge